The following is an entry in ClinVar:

ClinVar aggregate classification (germline): Benign/Likely benign. Review status: criteria provided, multiple submitters, no conflicts (2 of 4 stars). 2 submissions from 2 submitters: Benign (1); Likely benign (1). Last evaluated 2025-09-03.

Conditions:
Developmental and epileptic encephalopathy, 12 (DEE12). Identifiers: MedGen C3150988, MONDO:0013389, OMIM 613722.

Allele frequency attached by ClinVar (database versions not stated): gnomAD exomes below 0.00001 and 0.00001; ExAC 0.00002; gnomAD 0.00008 and 0.00009; TOPMed 0.00014.
gnomAD v4.1: 21 of 1,613,404 alleles (0.0013%); highest among the groups gnomAD compares: African/African-American, 0.017%; no homozygotes.

Submissions (2):

Labcorp Genetics (formerly Invitae), Labcorp
Classification: Likely benign for Developmental and epileptic encephalopathy, 12. Last evaluated: 2025-09-03. Review status: criteria provided, single submitter. Criteria: Invitae Variant Classification Sherloc (09022015). Collection method: clinical testing. Allele origin: germline.

GeneDx
Classification: Benign. Last evaluated: 2014-03-10. Review status: criteria provided, single submitter. Criteria: GeneDx Variant Classification (06012015). Collection method: clinical testing. Allele origin: germline. Affected: yes.
Comment: This variant is considered likely benign or benign based on one or more of the following criteria: it is a conservative change, it occurs at a poorly conserved position in the protein, it is predicted to be benign by multiple in silico algorithms, and/or has population frequency not consistent with disease.

NM_007254.4(PNKP):c.151+11C>T

Gene: PNKP (polynucleotide kinase 3'-phosphatase; minus strand). Cytogenetic location: 19q13.33.
Variant type: single nucleotide variant.
Coding change: c.151+11C>T on transcript NM_007254.4 (MANE Select); 11 bases into the intron after coding-DNA position 151, C replaced by T.
Molecular consequence: intron variant.
Genome position (GRCh38, 1-based): chr19:49,867,043, G>A on the plus strand (C>T on the coding strand, the complement: PNKP is on the minus strand). VCF-style: chr19-49867043-G-A. GRCh37 (hg19) VCF-style: chr19-50370300-G-A.
Identifiers: ClinVar variation 138707 (VCV000138707.9), dbSNP rs587781113, ClinGen allele CA292793.